The following is an entry in ClinVar:

ClinVar aggregate classification (germline): Uncertain significance (1 of 4 stars; one submission).

Allele frequency attached by ClinVar (database versions not stated): gnomAD exomes below 0.00001; TOPMed below 0.00001; ExAC 0.00001; gnomAD 0.00001; 1000 Genomes Project 0.00020; 1000 Genomes Project 30x 0.00031.
gnomAD v4.1: 2 of 1,611,070 alleles (0.00012%); highest among the groups gnomAD compares: African/African-American, 0.0013%; no homozygotes.

Submission:

GeneDx
Classification: Uncertain significance. Last evaluated: 2020-02-03. Review status: criteria provided, single submitter. Criteria: GeneDx Variant Classification Process June 2021. Collection method: clinical testing. Allele origin: germline. Affected: yes.
Comment: Observed in 0.0004% (1/249358 alleles) in large population cohorts (Lek et al., 2016); In silico analysis supports that this missense variant does not alter protein structure/function; Has not been previously published as pathogenic or benign to our knowledge

NM_001009944.3(PKD1):c.9532A>G (p.Ser3178Gly)

Gene: PKD1 (polycystin 1, transient receptor potential channel interacting; minus strand). Cytogenetic location: 16p13.3.
Variant type: single nucleotide variant.
Coding change: c.9532A>G on transcript NM_001009944.3 (MANE Select); coding-DNA position 9532, A replaced by G.
Protein change: p.Ser3178Gly; replaces serine 3178 with glycine.
Molecular consequence: missense variant.
Genome position (GRCh38, 1-based): chr16:2,100,432, T>C on the plus strand (A>G on the coding strand, the complement: PKD1 is on the minus strand). VCF-style: chr16-2100432-T-C. GRCh37 (hg19) VCF-style: chr16-2150433-T-C.
Other names: c.9532A>G, p.Ser3178Gly (NM_000296.4); short protein forms S3178G.
Identifiers: ClinVar variation 1313369 (VCV001313369.2), dbSNP rs576381756, ClinGen allele CA7830057.